The following is an entry in ClinVar:

ClinVar aggregate classification (germline): Likely pathogenic (1 of 4 stars; one submission).

Submission:

Mayo Clinic Laboratories, Mayo Clinic
Classification: Likely pathogenic. Last evaluated: 2025-11-07. Review status: criteria provided, single submitter. Criteria: ACMG Guidelines, 2015. Collection method: clinical testing. Allele origin: germline. Observed: 1 variant allele.
Comment: PM2_supporting, PVS1

NM_001999.4(FBN2):c.3555C>A (p.Cys1185Ter)

Gene: FBN2 (fibrillin 2; minus strand). Cytogenetic location: 5q23.3.
Variant type: single nucleotide variant.
Coding change: c.3555C>A on transcript NM_001999.4 (MANE Select); coding-DNA position 3555, C replaced by A.
Protein change: p.Cys1185Ter; replaces cysteine 1185 with a stop codon.
Molecular consequence: nonsense.
Genome position (GRCh38, 1-based): chr5:128,338,040, G>T on the plus strand (C>A on the coding strand, the complement: FBN2 is on the minus strand). VCF-style: chr5-128338040-G-T. GRCh37 (hg19) VCF-style: chr5-127673732-G-T.
Other names: p.Cys1185*; short protein forms C1185*.
Identifiers: ClinVar variation 4541062 (VCV004541062.1).